The following is an entry in ClinVar:

NM_000492.4(CFTR):c.4424T>C (p.Val1475Ala)

Genes: CFTR (CF transmembrane conductance regulator; plus strand), LOC111674477 (CFTR intron 23 enhancer; plus strand). Cytogenetic location: 7q31.2.
Variant type: single nucleotide variant.
Coding change: c.4424T>C on transcript NM_000492.4 (MANE Select); coding-DNA position 4424, T replaced by C.
Protein change: p.Val1475Ala; replaces valine 1475 with alanine.
Molecular consequence: missense variant.
Genome position (GRCh38, 1-based): chr7:117,667,089, T>C. VCF-style: chr7-117667089-T-C. GRCh37 (hg19) VCF-style: chr7-117307143-T-C.
Other names: short protein forms V1475A.
Identifiers: ClinVar variation 1740505 (VCV001740505.2), dbSNP rs2485186006, ClinGen allele CA368985366.

ClinVar aggregate classification (germline): Uncertain significance (1 of 4 stars; one submission).

Conditions:
Cystic fibrosis (CF). Also called: MUCOVISCIDOSIS. Identifiers: Orphanet 586, MedGen C0010674, MONDO:0009061, OMIM 219700. Disease mechanism: loss of function.

Allele frequency attached by ClinVar (database versions not stated): gnomAD exomes below 0.00001.
gnomAD v4.1: 2 of 1,613,764 alleles (0.00012%); highest among the groups gnomAD compares: Non-Finnish European, 0.00017%; no homozygotes.

Submission:

Ambry Genetics
Classification: Uncertain significance for Cystic fibrosis. Last evaluated: 2022-02-13. Review status: criteria provided, single submitter. Criteria: Ambry Variant Classification Scheme 2023. Collection method: clinical testing. Allele origin: germline.
Comment: The p.V1475A variant (also known as c.4424T>C), located in coding exon 27 of the CFTR gene, results from a T to C substitution at nucleotide position 4424. The valine at codon 1475 is replaced by alanine, an amino acid with similar properties. This amino acid position is conserved. In addition, the in silico prediction for this alteration is inconclusive. Since supporting evidence is limited at this time, the clinical significance of this alteration remains unclear.